The following is an entry in ClinVar:

ClinVar aggregate classification (germline): Uncertain significance (1 of 4 stars; one submission).

Conditions:
Desbuquois dysplasia 1 (DBQD1). Also called: MICROMELIC DWARFISM WITH VERTEBRAL AND METAPHYSEAL ABNORMALITIES AND ADVANCED CARPOTARSAL OSSIFICATION; DESBUQUOIS DYSPLASIA 1, KIM VARIANT. Identifiers: Orphanet 1425, MedGen C4012146, MONDO:0009629, OMIM 251450.

Allele frequency attached by ClinVar (database versions not stated): 1000 Genomes Project 30x 0.00031; 1000 Genomes Project 0.00040.
gnomAD v4.1: 43 of 1,614,220 alleles (0.0027%); highest among the groups gnomAD compares: South Asian, 0.043%; 1 homozygote.

Submission:

Labcorp Genetics (formerly Invitae), Labcorp
Classification: Uncertain significance for Desbuquois dysplasia 1. Last evaluated: 2022-07-19. Review status: criteria provided, single submitter. Criteria: Invitae Variant Classification Sherloc (09022015). Collection method: clinical testing. Allele origin: germline.
Comment: This variant has not been reported in the literature in individuals affected with XYLT1-related conditions. This variant is present in population databases (rs561119865, gnomAD 0.03%). This sequence change replaces aspartic acid, which is acidic and polar, with tyrosine, which is neutral and polar, at codon 512 of the XYLT1 protein (p.Asp512Tyr). ClinVar contains an entry for this variant (Variation ID: 1525654). In summary, the available evidence is currently insufficient to determine the role of this variant in disease. Therefore, it has been classified as a Variant of Uncertain Significance. Algorithms developed to predict the effect of missense changes on protein structure and function (SIFT, PolyPhen-2, Align-GVGD) all suggest that this variant is likely to be disruptive.

NM_022166.4(XYLT1):c.1534G>T (p.Asp512Tyr)

Gene: XYLT1 (xylosyltransferase 1; minus strand). Cytogenetic location: 16p12.3.
Variant type: single nucleotide variant.
Coding change: c.1534G>T on transcript NM_022166.4 (MANE Select); coding-DNA position 1534, G replaced by T.
Protein change: p.Asp512Tyr; replaces aspartic acid 512 with tyrosine.
Molecular consequence: missense variant.
Genome position (GRCh38, 1-based): chr16:17,141,206, C>A on the plus strand (G>T on the coding strand, the complement: XYLT1 is on the minus strand). VCF-style: chr16-17141206-C-A. GRCh37 (hg19) VCF-style: chr16-17235063-C-A.
Other names: short protein forms D512Y.
Identifiers: ClinVar variation 1525654 (VCV001525654.8), dbSNP rs561119865, ClinGen allele CA7927881.